The following is an entry in ClinVar:

ClinVar aggregate classification (germline): Uncertain significance (1 of 4 stars; one submission).

gnomAD v4.1: 1 of 1,614,046 alleles (0.000062%); highest among the groups gnomAD compares: African/African-American, 0.0013%; no homozygotes.

Submission:

GeneDx
Classification: Uncertain significance. Last evaluated: 2024-10-03. Review status: criteria provided, single submitter. Criteria: GeneDx Variant Classification Process June 2021. Collection method: clinical testing. Allele origin: germline. Affected: yes.
Comment: Not observed at significant frequency in large population cohorts (gnomAD); In silico analysis supports that this missense variant has a deleterious effect on protein structure/function; Has not been previously published as pathogenic or benign to our knowledge

NM_004999.4(MYO6):c.3589T>G (p.Phe1197Val)

Gene: MYO6 (myosin VI; plus strand). Cytogenetic location: 6q14.1.
Variant type: single nucleotide variant.
Coding change: c.3589T>G on transcript NM_004999.4 (MANE Select); coding-DNA position 3589, T replaced by G.
Protein change: p.Phe1197Val; replaces phenylalanine 1197 with valine.
Molecular consequence: missense variant. On other transcripts: non-coding transcript variant (1).
Genome position (GRCh38, 1-based): chr6:75,914,212, T>G. VCF-style: chr6-75914212-T-G. GRCh37 (hg19) VCF-style: chr6-76623929-T-G.
Other names: c.3520T>G, p.Phe1174Val (NM_001300899.2); c.3493T>G, p.Phe1165Val (NM_001368136.1); c.3550T>G, p.Phe1184Val (NM_001368137.1); c.3505T>G, p.Phe1169Val (NM_001368138.1); c.3616T>G, p.Phe1206Val (NM_001368865.1); c.3589T>G, p.Phe1197Val (NM_001368866.1); short protein forms F1165V, F1169V, F1174V, F1184V, F1197V, F1206V.
Identifiers: ClinVar variation 3776400 (VCV003776400.1).
Genomic context (GRCh38, chr6:75,914,212, plus strand): 5'-CGCCCTGCCGACCAGTACAAAGACCCTCAGAGTAAGAAAAAAGGCTGGTGGTATGCCCAT[T>G]TTGATGGACCATGGATTGCCCGGCAAATGGAACTCCATCCTGACAAGCCACCCATCCTAC-3'
Protein context (NP_004990.3, residues 1187-1207): SKKKGWWYAH[Phe1197Val]DGPWIARQME